The following is an entry in ClinVar:

ClinVar aggregate classification (germline): Likely benign (1 of 4 stars; one submission).

Conditions:
SAR1B-related disorder. Also called: SAR1B-related condition.

Submission:

PreventionGenetics, part of Exact Sciences
Classification: Likely benign for SAR1B-related condition. Last evaluated: 2024-11-10. Review status: criteria provided, single submitter. Criteria: ACMG Guidelines, 2015. Collection method: clinical testing. Allele origin: germline.
Comment: This variant is classified as likely benign based on ACMG/AMP sequence variant interpretation guidelines (Richards et al. 2015 PMID: 25741868, with internal and published modifications).

NM_016103.4(SAR1B):c.244+5G>T

Gene: SAR1B (secretion associated Ras related GTPase 1B; minus strand). Cytogenetic location: 5q31.1.
Variant type: single nucleotide variant.
Coding change: c.244+5G>T on transcript NM_016103.4 (MANE Select); 5 bases into the intron after coding-DNA position 244, G replaced by T.
Molecular consequence: intron variant.
Genome position (GRCh38, 1-based): chr5:134,612,686, C>A on the plus strand (G>T on the coding strand, the complement: SAR1B is on the minus strand). VCF-style: chr5-134612686-C-A. GRCh37 (hg19) VCF-style: chr5-133948376-C-A.
Other names: c.244+5G>T (NM_001033503.3).
Identifiers: ClinVar variation 4980948 (VCV004980948.1).